The following is an entry in ClinVar:

NM_000359.3(TGM1):c.109A>G (p.Arg37Gly)

Gene: TGM1 (transglutaminase 1; minus strand). Cytogenetic location: 14q12.
Variant type: single nucleotide variant.
Coding change: c.109A>G on transcript NM_000359.3 (MANE Select); coding-DNA position 109, A replaced by G.
Protein change: p.Arg37Gly; replaces arginine 37 with glycine.
Molecular consequence: missense variant.
Genome position (GRCh38, 1-based): chr14:24,262,244, T>C on the plus strand (A>G on the coding strand, the complement: TGM1 is on the minus strand). VCF-style: chr14-24262244-T-C. GRCh37 (hg19) VCF-style: chr14-24731450-T-C.
Other names: short protein forms R37G.
Identifiers: ClinVar variation 3384942 (VCV003384942.1).
Genomic context (GRCh38, chr14:24,262,244, plus strand): 5'-CCGCATTTCGGCATGAACAGCAGCCACAGCAGCGAGCCCAGAAGGAACGGCCTCCTCCTC[T>C]GCGAGAGCGTCCGTCTGGCTCTGGCTCTGGCTCTGGAGATGGCGTGGTAGGGGGCTGCAA-3'
Protein context (NP_000350.1, residues 27-47): PEPEPDGRSR[Arg37Gly]GGGRSFWARC

ClinVar aggregate classification (germline): Uncertain significance (1 of 4 stars; one submission).

Submission:

Women's Health and Genetics/Laboratory Corporation of America, LabCorp
Classification: Uncertain significance. Last evaluated: 2024-10-04. Review status: criteria provided, single submitter. Criteria: LabCorp Variant Classification Summary - May 2015. Collection method: clinical testing. Allele origin: germline.
Comment: Variant summary: TGM1 c.109A>G (p.Arg37Gly) results in a non-conservative amino acid change in the encoded protein sequence. Four of five in-silico tools predict a benign effect of the variant on protein function. The variant was absent in 250960 control chromosomes. The available data on variant occurrences in the general population are insufficient to allow any conclusion about variant significance. c.109A>G has been reported in the literature in individuals affected with Congenital Icthyosiform Erythroderma (Terrinoni_2012). These data do not allow any conclusion about variant significance. To our knowledge, no experimental evidence demonstrating an impact on protein function has been reported. The following publication have been ascertained in the context of this evaluation (PMID: 23096117). No submitters have cited clinical-significance assessments for this variant to ClinVar. Based on the evidence outlined above, the variant was classified as uncertain significance.

Literature cited by the submitters: PubMed 23096117.